The following is an entry in ClinVar:

NM_001162501.2(TNRC6B):c.1353A>C (p.Lys451Asn)

Gene: TNRC6B (trinucleotide repeat containing adaptor 6B; plus strand). Cytogenetic location: 22q13.1.
Variant type: single nucleotide variant.
Coding change: c.1353A>C on transcript NM_001162501.2 (MANE Select); coding-DNA position 1353, A replaced by C.
Protein change: p.Lys451Asn; replaces lysine 451 with asparagine.
Molecular consequence: missense variant. On other transcripts: intron variant (1).
Genome position (GRCh38, 1-based): chr22:40,265,583, A>C. VCF-style: chr22-40265583-A-C. GRCh37 (hg19) VCF-style: chr22-40661587-A-C.
Other names: c.1353A>C, p.Lys451Asn (NM_015088.3); c.565+3410A>C (NM_001024843.2); short protein forms K451N.
Identifiers: ClinVar variation 3381346 (VCV003381346.1).

ClinVar aggregate classification (germline): Uncertain significance (1 of 4 stars; one submission).

Submission:

GeneDx
Classification: Uncertain significance. Last evaluated: 2024-05-23. Review status: criteria provided, single submitter. Criteria: GeneDx Variant Classification Process June 2021. Collection method: clinical testing. Allele origin: germline. Affected: yes.
Comment: Not observed at significant frequency in large population cohorts (gnomAD); In silico analysis indicates that this missense variant does not alter protein structure/function; Has not been previously published as pathogenic or benign to our knowledge